The following is an entry in ClinVar:

NM_015046.7(SETX):c.3147C>T (p.His1049=)

Gene: SETX (senataxin; minus strand). Cytogenetic location: 9q34.13.
Variant type: single nucleotide variant.
Coding change: c.3147C>T on transcript NM_015046.7 (MANE Select); coding-DNA position 3147, C replaced by T.
Protein change: p.His1049=; no amino-acid change (histidine 1049 retained).
Molecular consequence: synonymous variant.
Genome position (GRCh38, 1-based): chr9:132,328,451, G>A on the plus strand (C>T on the coding strand, the complement: SETX is on the minus strand). VCF-style: chr9-132328451-G-A. GRCh37 (hg19) VCF-style: chr9-135203838-G-A.
Other names: p.His1049=; c.3147C>T, p.His1049= (NM_001351527.2, NM_001351528.2).
Identifiers: ClinVar variation 193716 (VCV000193716.39), dbSNP rs3739921, ClinGen allele CA200746.

ClinVar aggregate classification (germline): Benign/Likely benign. Review status: criteria provided, multiple submitters, no conflicts (2 of 4 stars). 18 submissions from 16 submitters: Benign (12); Likely benign (1). 5 of the submissions do not count toward it. Last evaluated 2026-02-04.

Conditions:
Amyotrophic lateral sclerosis type 4 (ALS4). Also called: AMYOTROPHIC LATERAL SCLEROSIS 4, JUVENILE; NEURONOPATHY, DISTAL HEREDITARY MOTOR, WITH PYRAMIDAL FEATURES. Identifiers: Orphanet 357043, MedGen C1865409, MONDO:0011223, OMIM 602433.
Spinocerebellar ataxia, autosomal recessive, with axonal neuropathy 2 (SCAN2). Also called: ATAXIA-OCULOMOTOR APRAXIA 2; Ataxia with Oculomotor Apraxia Type 2; Ataxia-ocular apraxia-2; Ataxia with Oculomotor Apraxia. Identifiers: Orphanet 64753, MedGen C1853761, MONDO:0018996, OMIM 606002.

Allele frequency attached by ClinVar (database versions not stated): gnomAD exomes 0.10785 and 0.09194; 1000 Genomes Project 30x 0.11118; 1000 Genomes Project 0.11422; ESP Exome Variant Server 0.06705; gnomAD 0.07515 and 0.08163; TOPMed 0.08011; ExAC 0.10723.
gnomAD v4.1: 147,391 of 1,613,326 alleles (9.1%); highest among the groups gnomAD compares: East Asian, 25%; 8,332 homozygotes.

Submissions (18):

Labcorp Genetics (formerly Invitae), Labcorp
Classification: Benign for Amyotrophic lateral sclerosis type 4; Spinocerebellar ataxia, autosomal recessive, with axonal neuropathy 2. Last evaluated: 2026-02-04. Review status: criteria provided, single submitter. Criteria: Invitae Variant Classification Sherloc (09022015). Collection method: clinical testing. Allele origin: germline.

Blueprint Genetics
Classification: Likely benign. Last evaluated: 2024-11-27. Review status: criteria provided, single submitter. Criteria: ACMG Guidelines, 2015. Collection method: clinical testing. Allele origin: germline.

Genome-Nilou Lab
Classification: Benign for Spinocerebellar ataxia, autosomal recessive, with axonal neuropathy 2. Last evaluated: 2023-02-08. Review status: criteria provided, single submitter. Criteria: ACMG Guidelines, 2015. Collection method: clinical testing. Allele origin: germline.

Genome-Nilou Lab
Classification: Benign for Amyotrophic lateral sclerosis type 4. Last evaluated: 2023-02-08. Review status: criteria provided, single submitter. Criteria: ACMG Guidelines, 2015. Collection method: clinical testing. Allele origin: germline.

GeneDx
Classification: Benign. Last evaluated: 2018-08-20. Review status: criteria provided, single submitter. Criteria: GeneDx Variant Classification Process June 2021. Collection method: clinical testing. Allele origin: germline. Affected: yes.

Illumina Laboratory Services, Illumina
Classification: Benign for Spinocerebellar ataxia, autosomal recessive, with axonal neuropathy 2. Last evaluated: 2018-01-12. Review status: criteria provided, single submitter. Criteria: ICSL Variant Classification Criteria 13 December 2019. Collection method: clinical testing. Allele origin: germline.
Comment: This variant was observed in the ICSL laboratory as part of a predisposition screen in an ostensibly healthy population. It had not been previously curated by ICSL or reported in the Human Gene Mutation Database (HGMD: prior to June 1st, 2018), and was therefore a candidate for classification through an automated scoring system. Utilizing variant allele frequency, disease prevalence and penetrance estimates, and inheritance mode, an automated score was calculated to assess if this variant is too frequent to cause the disease. Based on the score and internal cut-off values, a variant classified as benign is not then subjected to further curation. The score for this variant resulted in a classification of benign for this disease.

Illumina Laboratory Services, Illumina
Classification: Benign for Amyotrophic lateral sclerosis type 4. Last evaluated: 2018-01-12. Review status: criteria provided, single submitter. Criteria: ICSL Variant Classification Criteria 13 December 2019. Collection method: clinical testing. Allele origin: germline.
Comment: the same text as in the submission from Illumina Laboratory Services, Illumina above.

Athena Diagnostics
Classification: Benign. Last evaluated: 2017-04-12. Review status: criteria provided, single submitter. Criteria: Athena Diagnostics Criteria. Collection method: clinical testing. Allele origin: germline.

Mayo Clinic Laboratories, Mayo Clinic
Classification: Benign. Last evaluated: 2016-04-13. Review status: criteria provided, single submitter. Criteria: ACMG Guidelines, 2015. Collection method: clinical testing. Allele origin: germline. Observed: 414 variant alleles.

Laboratory for Molecular Medicine, Mass General Brigham Personalized Medicine
Classification: Benign. Last evaluated: 2016-03-29. Review status: criteria provided, single submitter. Criteria: LMM Criteria. Collection method: clinical testing. Allele origin: germline.
Comment: Variant identified in a genome or exome case(s) and assessed due to predicted null impact of the variant or pathogenic assertions in the literature or databases. Disclaimer: This variant has not undergone full assessment. The following are preliminary notes: MAF

Eurofins Ntd Llc (ga)
Classification: Benign. Last evaluated: 2014-12-17. Review status: criteria provided, single submitter. Criteria: EGL Classification Definitions 2015. Collection method: clinical testing. Allele origin: germline. Observed: 2 variant alleles, 1 heterozygote, 1 homozygote.

Breakthrough Genomics
Classification: Benign. Review status: criteria provided, single submitter. Criteria: ACMG Guidelines, 2015. Collection method: not provided. Allele origin: germline. Inheritance: Autosomal recessive inheritance. Affected: yes.

PreventionGenetics, part of Exact Sciences
Classification: Benign. Review status: criteria provided, single submitter. Criteria: ACMG Guidelines, 2015. Collection method: clinical testing. Allele origin: germline.

Clinical Genetics DNA and cytogenetics Diagnostics Lab, Erasmus MC, Erasmus Medical Center
Classification: Benign. Review status: no assertion criteria provided. Collection method: clinical testing. Allele origin: germline. Affected: yes. Study: VKGL Data-share Consensus. Not counted in ClinVar's aggregate classification.

Clinical Genetics, Academic Medical Center
Classification: Benign. Review status: no assertion criteria provided. Collection method: clinical testing. Allele origin: germline. Affected: yes. Study: VKGL Data-share Consensus. Not counted in ClinVar's aggregate classification.

Diagnostic Laboratory, Department of Genetics, University Medical Center Groningen
Classification: Benign. Review status: no assertion criteria provided. Collection method: clinical testing. Allele origin: germline. Affected: yes. Study: VKGL Data-share Consensus. Not counted in ClinVar's aggregate classification.

Genome Diagnostics Laboratory, Amsterdam University Medical Center
Classification: Benign. Review status: no assertion criteria provided. Collection method: clinical testing. Allele origin: germline. Affected: yes. Study: VKGL Data-share Consensus. Not counted in ClinVar's aggregate classification.

Joint Genome Diagnostic Labs from Nijmegen and Maastricht, Radboudumc and MUMC+
Classification: Benign. Review status: no assertion criteria provided. Collection method: clinical testing. Allele origin: germline. Affected: yes. Study: VKGL Data-share Consensus. Not counted in ClinVar's aggregate classification.

Literature cited by the submitters: PubMed 14770181 (cited by Athena Diagnostics).